The following is an entry in ClinVar:

NM_001077653.2(TBX20):c.718A>G (p.Thr240Ala)

Gene: TBX20 (T-box transcription factor 20; minus strand). Cytogenetic location: 7p14.2.
Variant type: single nucleotide variant.
Coding change: c.718A>G on transcript NM_001077653.2 (MANE Select); coding-DNA position 718, A replaced by G.
Protein change: p.Thr240Ala; replaces threonine 240 with alanine.
Molecular consequence: missense variant.
Genome position (GRCh38, 1-based): chr7:35,240,974, T>C on the plus strand (A>G on the coding strand, the complement: TBX20 is on the minus strand). VCF-style: chr7-35240974-T-C. GRCh37 (hg19) VCF-style: chr7-35280586-T-C.
Other names: c.718A>G, p.Thr240Ala (NM_001166220.1); short protein forms T240A.
Identifiers: ClinVar variation 4726919 (VCV004726919.1).
Genomic context (GRCh38, chr7:35,240,974, plus strand): 5'-CTGTTTCTGGAAAGATGAAAGTTCTAAATTCTTCAGACTTCAGGTTGAGCAATGAGGCTG[T>C]GTGGTCTTTCTTCTTAATGATGTGCACCCTTGGCTGGTACTTATGCATTGAGTTCAAAAT-3'
Protein context (NP_001071121.1, residues 230-250): RVHIIKKKDH[Thr240Ala]ASLLNLKSEE

ClinVar aggregate classification (germline): Uncertain significance (1 of 4 stars; one submission).

Submission:

Labcorp Genetics (formerly Invitae), Labcorp
Classification: Uncertain significance. Last evaluated: 2025-09-10. Review status: criteria provided, single submitter. Criteria: Invitae Variant Classification Sherloc (09022015). Collection method: clinical testing. Allele origin: germline.
Comment: This sequence change replaces threonine, which is neutral and polar, with alanine, which is neutral and non-polar, at codon 240 of the TBX20 protein (p.Thr240Ala). This variant is not present in population databases (gnomAD no frequency). This variant has not been reported in the literature in individuals affected with TBX20-related conditions. An algorithm developed to predict the effect of missense changes on protein structure and function (PolyPhen-2) suggests that this variant is likely to be tolerated. In summary, the available evidence is currently insufficient to determine the role of this variant in disease. Therefore, it has been classified as a Variant of Uncertain Significance.